The following is an entry in ClinVar:

ClinVar aggregate classification (germline): Uncertain significance (1 of 4 stars; one submission).

Conditions:
Brunner syndrome (BRNRS). Identifiers: Orphanet 3057, MedGen C0796275, MONDO:0010379, OMIM 300615.

Submission:

Labcorp Genetics (formerly Invitae), Labcorp
Classification: Uncertain significance for Brunner syndrome. Last evaluated: 2023-08-24. Review status: criteria provided, single submitter. Criteria: Invitae Variant Classification Sherloc (09022015). Collection method: clinical testing. Allele origin: germline.
Comment: This variant is not present in population databases (gnomAD no frequency). This sequence change replaces leucine, which is neutral and non-polar, with phenylalanine, which is neutral and non-polar, at codon 523 of the MAOA protein (p.Leu523Phe). This variant has not been reported in the literature in individuals affected with MAOA-related conditions. In summary, the available evidence is currently insufficient to determine the role of this variant in disease. Therefore, it has been classified as a Variant of Uncertain Significance. An algorithm developed to predict the effect of missense changes on protein structure and function (PolyPhen-2) suggests that this variant is likely to be tolerated. ClinVar contains an entry for this variant (Variation ID: 1487137).

NM_000240.4(MAOA):c.1567C>T (p.Leu523Phe)

Gene: MAOA (monoamine oxidase A; plus strand). Cytogenetic location: Xp11.3.
Variant type: single nucleotide variant.
Coding change: c.1567C>T on transcript NM_000240.4 (MANE Select); coding-DNA position 1567, C replaced by T.
Protein change: p.Leu523Phe; replaces leucine 523 with phenylalanine.
Molecular consequence: missense variant.
Genome position (GRCh38, 1-based): chrX:43,744,496, C>T. VCF-style: chrX-43744496-C-T. GRCh37 (hg19) VCF-style: chrX-43603743-C-T.
Other names: c.1168C>T, p.Leu390Phe (NM_001270458.2); short protein forms L390F, L523F.
Identifiers: ClinVar variation 1487137 (VCV001487137.6), dbSNP rs2033984974, ClinGen allele CA413011322.